The following is an entry in ClinVar:

NM_000330.4(RS1):c.131dup (p.Gly45fs)

Gene: RS1 (retinoschisin 1; minus strand). Cytogenetic location: Xp22.13.
Variant type: Duplication.
Coding change: c.131dup on transcript NM_000330.4 (MANE Select); coding-DNA position 131, one base duplicated (G; older notation c.131dupG).
Protein change: p.Gly45fs; shifts the reading frame from glycine 45.
Molecular consequence: frameshift variant.
Genome position (GRCh38, 1-based): chrX:18,656,706, C duplicated on the plus strand (G on the coding strand, the reverse complement: RS1 is on the minus strand); the first of 2 consecutive C bases (chrX:18,656,706-18,656,707); duplicating either gives the same sequence. VCF-style (leftmost placement, unchanged base first): chrX-18656705-T-TC. GRCh37 (hg19) VCF-style: chrX-18674825-T-TC.
Other names: NM_000330.4(RS1):c.131dup; p.Gly45fs; short protein forms G45fs.
Identifiers: ClinVar variation 1687568 (VCV001687568.2), dbSNP rs2147203103, ClinGen allele CA2573158481.

ClinVar aggregate classification (germline): Likely pathogenic. Review status: reviewed by expert panel (3 of 4 stars). 2 submissions from 2 submitters: Likely pathogenic (1). 1 of the submissions does not count toward it. Last evaluated 2025-05-19.

Conditions:
Juvenile retinoschisis (RS1). Also called: X-linked retinoschisis; X-Linked Juvenile Retinoschisis. Identifiers: Orphanet 792, MedGen C3714753, MONDO:0010725, OMIM 312700.

Submissions (2):

ClinGen X-linked Inherited Retinal Disease Variant Curation Expert Panel, ClinGen
Classification: Likely pathogenic for Juvenile retinoschisis. Last evaluated: 2025-05-19. Review status: reviewed by expert panel. Criteria: ClinGen X LinkedIRD ACMG Specifications RS1 V1.0.0. Collection method: curation. Allele origin: germline. Inheritance: X-linked inheritance.
Comment: The NM_000330.4(RS1):c.131dup variant is a frameshift variant due to one nucleotide duplication introducing a premature stop codon and causing a truncated protein. This variant is absent from hemizygous individuals in gnomAD v4.1.0 (PM2_Supporting). This is a frameshift variant that introduces a premature stop codon between amino acids 1-223 that is predicted to either trigger nonsense-mediated decay or to disrupt a critical C-terminal region required for proper multimerization of RS1 (PVS1, PMID: 19849666). However, PS4_Supporting requires at least 2 unrelated probands, so this criterion was unmet. In summary, this variant is classified as likely pathogenic for X-linked retinoschisis based on the ClinGen X-linked Inherited Retinal Disease Expert Panel Specifications to the ACMG/AMP Variant Interpretation Guidelines for RS1 Version 1.0.0: PVS1 and PM2_supporting (date of approval 01/24/2025).

3billion
Classification: Likely pathogenic for Juvenile retinoschisis. Last evaluated: 2022-05-22. Review status: criteria provided, single submitter. Criteria: ACMG Guidelines, 2015. Collection method: clinical testing. Allele origin: germline. Affected: yes. Observed: 1 hemizygote. Not counted in ClinVar's aggregate classification.
Comment: The variant is not observed in the gnomAD v2.1.1 dataset. Frameshift: predicted to result in a loss or disruption of normal protein function through nonsense-mediated decay (NMD) or protein truncation. Multiple pathogenic variants are reported downstream of the variant. Therefore, this variant is classified as likely pathogenic according to the recommendation of ACMG/AMP guideline.